The following is an entry in ClinVar:

ClinVar aggregate classification (germline): Uncertain significance (1 of 4 stars; one submission).

Conditions:
Leigh syndrome (NULS). Also called: Leigh's necrotizing encephalopathy; Leigh's disease; Leigh Syndrome (mtDNA deletion); Leigh Disease; Subacute necrotizing encephalopathy; Necrotizing encephalopathy infantile subacute of Leigh. Identifiers: Orphanet 506, MedGen C2931891, MONDO:0009723, OMIM 256000.

Submission:

Wong Mito Lab, Molecular and Human Genetics, Baylor College of Medicine
Classification: Uncertain significance for Leigh syndrome. Last evaluated: 2019-10-17. Review status: criteria provided, single submitter. Criteria: Modified ACMG Guidelines (Unpublished). Collection method: clinical testing. Allele origin: germline.
Comment: The NC_012920.1:m.12868G>A (YP_003024036.1:p.Gly178Ser) variant in MTND5 gene is interpretated to be a Uncertain Significance variant based on the modified ACMG guidelines (unpublished). This variant meets the following evidence codes: PP7

NC_012920.1(MT-ND5):m.12868G>A

Gene: MT-ND5 (mitochondrially encoded NADH dehydrogenase 5; plus strand).
Variant type: single nucleotide variant.
Genome position: chrM-12868-G-A.
Identifiers: ClinVar variation 693494 (VCV000693494.1), dbSNP rs1603223947, ClinGen allele CA414815240.